The following is an entry in ClinVar:

ClinVar aggregate classification (germline): Uncertain significance (1 of 4 stars; one submission).

Submission:

Labcorp Genetics (formerly Invitae), Labcorp
Classification: Uncertain significance. Last evaluated: 2025-05-25. Review status: criteria provided, single submitter. Criteria: Invitae Variant Classification Sherloc (09022015). Collection method: clinical testing. Allele origin: germline.
Comment: This sequence change replaces arginine, which is basic and polar, with threonine, which is neutral and polar, at codon 146 of the TMEM240 protein (p.Arg146Thr). This variant is not present in population databases (gnomAD no frequency). This variant has not been reported in the literature in individuals affected with TMEM240-related conditions. An algorithm developed to predict the effect of missense changes on protein structure and function (PolyPhen-2) suggests that this variant is likely to be disruptive. In summary, the available evidence is currently insufficient to determine the role of this variant in disease. Therefore, it has been classified as a Variant of Uncertain Significance.

NM_001114748.2(TMEM240):c.437G>C (p.Arg146Thr)

Gene: TMEM240 (transmembrane protein 240; minus strand). Cytogenetic location: 1p36.33.
Variant type: single nucleotide variant.
Coding change: c.437G>C on transcript NM_001114748.2 (MANE Select); coding-DNA position 437, G replaced by C.
Protein change: p.Arg146Thr; replaces arginine 146 with threonine.
Molecular consequence: missense variant.
Genome position (GRCh38, 1-based): chr1:1,535,444, C>G on the plus strand (G>C on the coding strand, the complement: TMEM240 is on the minus strand). VCF-style: chr1-1535444-C-G. GRCh37 (hg19) VCF-style: chr1-1470824-C-G.
Other names: short protein forms R146T.
Identifiers: ClinVar variation 4773930 (VCV004773930.1).